The following is an entry in ClinVar:

NM_001283009.2(RTEL1):c.3631G>A (p.Gly1211Arg)

Genes: RTEL1 (regulator of telomere elongation helicase 1; plus strand), RTEL1-TNFRSF6B (RTEL1-TNFRSF6B readthrough (NMD candidate); plus strand). Cytogenetic location: 20q13.33.
Variant type: single nucleotide variant.
Coding change: c.3631G>A on transcript NM_001283009.2 (MANE Select); coding-DNA position 3631, G replaced by A.
Protein change: p.Gly1211Arg; replaces glycine 1211 with arginine.
Molecular consequence: missense variant. On other transcripts: non-coding transcript variant (1).
Genome position (GRCh38, 1-based): chr20:63,695,459, G>A. VCF-style: chr20-63695459-G-A. GRCh37 (hg19) VCF-style: chr20-62326812-G-A.
Other names: c.2962G>A, p.Gly988Arg (NM_001283010.1); c.3631G>A, p.Gly1211Arg (NM_016434.4); c.3703G>A, p.Gly1235Arg (NM_032957.5); c.3703G>A (NM_032957.4); short protein forms G1235R, G988R, G1211R.
Identifiers: ClinVar variation 1515005 (VCV001515005.8), dbSNP rs1354993689, ClinGen allele CA409686394.

ClinVar aggregate classification (germline): Uncertain significance. Review status: criteria provided, multiple submitters, no conflicts (2 of 4 stars). 2 submissions from 2 submitters: Uncertain significance (2). Last evaluated 2024-08-04.

Conditions:
Pulmonary fibrosis and/or bone marrow failure, Telomere-related, 3. Also called: PULMONARY FIBROSIS AND/OR BONE MARROW FAILURE SYNDROME, TELOMERE-RELATED, 3. Identifiers: Orphanet 2032, MedGen C4225346, MONDO:0014613, OMIM 616373.
Dyskeratosis congenita, autosomal recessive 5 (DKCB5). Identifiers: MedGen C3554656, MONDO:0014076, OMIM 615190.
Inborn genetic diseases. Identifiers: MedGen C0950123, MeSH D030342.

Allele frequency attached by ClinVar (database versions not stated): TOPMed below 0.00001.
gnomAD v4.1: 9 of 1,593,354 alleles (0.00056%); highest among the groups gnomAD compares: Non-Finnish European, 0.0006%; no homozygotes.

Submissions (2):

Labcorp Genetics (formerly Invitae), Labcorp
Classification: Uncertain significance for Dyskeratosis congenita, autosomal recessive 5; Pulmonary fibrosis and/or bone marrow failure, Telomere-related, 3. Last evaluated: 2024-08-04. Review status: criteria provided, single submitter. Criteria: Invitae Variant Classification Sherloc (09022015). Collection method: clinical testing. Allele origin: germline.
Comment: This sequence change replaces glycine, which is neutral and non-polar, with arginine, which is basic and polar, at codon 1211 of the RTEL1 protein (p.Gly1211Arg). This variant is not present in population databases (gnomAD no frequency). This variant has not been reported in the literature in individuals affected with RTEL1-related conditions. ClinVar contains an entry for this variant (Variation ID: 1515005). An algorithm developed to predict the effect of missense changes on protein structure and function outputs the following: PolyPhen-2: "Benign". The arginine amino acid residue is found in multiple mammalian species, which suggests that this missense change does not adversely affect protein function. In summary, the available evidence is currently insufficient to determine the role of this variant in disease. Therefore, it has been classified as a Variant of Uncertain Significance.

Ambry Genetics
Classification: Uncertain significance for Inborn genetic diseases. Last evaluated: 2023-02-09. Review status: criteria provided, single submitter. Criteria: Ambry Variant Classification Scheme 2023. Collection method: clinical testing. Allele origin: germline.